The following is an entry in ClinVar:

ClinVar aggregate classification (germline): Uncertain significance (1 of 4 stars; one submission).

Conditions:
Rhabdoid tumor predisposition syndrome 2 (RTPS2). Identifiers: Orphanet 231108, Orphanet 69077, MedGen C2750074, MONDO:0013224, OMIM 613325.

Allele frequency attached by ClinVar (database versions not stated): gnomAD exomes below 0.00001.
gnomAD v4.1: 2 of 1,614,170 alleles (0.00012%); highest among the groups gnomAD compares: Non-Finnish European, 0.00017%; no homozygotes.

Submission:

Labcorp Genetics (formerly Invitae), Labcorp
Classification: Uncertain significance for Rhabdoid tumor predisposition syndrome 2. Last evaluated: 2022-03-06. Review status: criteria provided, single submitter. Criteria: Invitae Variant Classification Sherloc (09022015). Collection method: clinical testing. Allele origin: germline.
Comment: This sequence change replaces proline, which is neutral and non-polar, with leucine, which is neutral and non-polar, at codon 827 of the SMARCA4 protein (p.Pro827Leu). This variant is not present in population databases (gnomAD no frequency). This missense change has been observed in individual(s) with an unspecified neurodevelopmental disorder (PMID: 31785789). ClinVar contains an entry for this variant (Variation ID: 951078). Algorithms developed to predict the effect of missense changes on protein structure and function are either unavailable or do not agree on the potential impact of this missense change (SIFT: "Deleterious"; PolyPhen-2: "Benign"; Align-GVGD: "Class C65"). In summary, the available evidence is currently insufficient to determine the role of this variant in disease. Therefore, it has been classified as a Variant of Uncertain Significance.

Literature cited by the submitters: PubMed 31785789.

NM_003072.5(SMARCA4):c.2480C>T (p.Pro827Leu)

Gene: SMARCA4 (SWI/SNF related BAF chromatin remodeling complex subunit ATPase 4; plus strand). Cytogenetic location: 19p13.2.
Variant type: single nucleotide variant.
Coding change: c.2480C>T on transcript NM_003072.5 (MANE Select); coding-DNA position 2480, C replaced by T.
Protein change: p.Pro827Leu; replaces proline 827 with leucine.
Molecular consequence: missense variant. On other transcripts: non-coding transcript variant (1).
Genome position (GRCh38, 1-based): chr19:11,018,998, C>T. VCF-style: chr19-11018998-C-T. GRCh37 (hg19) VCF-style: chr19-11129674-C-T.
Other names: c.2480C>T, p.Pro827Leu (NM_001128844.3, NM_001128845.2, NM_001128846.2 and 4 more transcripts); short protein forms P827L.
Identifiers: ClinVar variation 951078 (VCV000951078.6), dbSNP rs2089623348, ClinGen allele CA404053683.